The following is an entry in ClinVar:

ClinVar aggregate classification (germline): Conflicting classifications of pathogenicity. Review status: criteria provided, conflicting classifications (1 of 4 stars). 2 submissions from 2 submitters: Uncertain significance (1); Likely benign (1). Last evaluated 2023-07-27.

Allele frequency attached by ClinVar (database versions not stated): gnomAD exomes below 0.00001; gnomAD 0.00001; TOPMed 0.00001.
gnomAD v4.1: 3 of 1,522,860 alleles (0.0002%); highest among the groups gnomAD compares: African/African-American, 0.0028%; no homozygotes.

Submissions (2):

GeneDx
Classification: Uncertain significance. Last evaluated: 2023-07-27. Review status: criteria provided, single submitter. Criteria: GeneDx Variant Classification Process June 2021. Collection method: clinical testing. Allele origin: germline. Affected: yes.
Comment: Not observed at significant frequency in large population cohorts (gnomAD); In silico analysis supports that this missense variant does not alter protein structure/function; Has not been previously published as pathogenic or benign to our knowledge

Laboratorio de Genetica e Diagnostico Molecular, Hospital Israelita Albert Einstein
Classification: Likely benign. Last evaluated: 2022-01-13. Review status: criteria provided, single submitter. Criteria: ACMG Guidelines, 2015. Collection method: clinical testing. Allele origin: germline. Affected: yes.
Comment: ACMG classification criteria: BS2, BP4

NM_001145026.2(PTPRQ):c.1363A>G (p.Ile455Val)

Gene: PTPRQ (protein tyrosine phosphatase receptor type Q; plus strand). Cytogenetic location: 12q21.31.
Variant type: single nucleotide variant.
Coding change: c.1363A>G on transcript NM_001145026.2 (MANE Select); coding-DNA position 1363, A replaced by G.
Protein change: p.Ile455Val; replaces isoleucine 455 with valine.
Molecular consequence: missense variant.
Genome position (GRCh38, 1-based): chr12:80,493,278, A>G. VCF-style: chr12-80493278-A-G. GRCh37 (hg19) VCF-style: chr12-80887057-A-G.
Other names: c.1363A>G (NM_001145026.1); short protein forms I455V.
Identifiers: ClinVar variation 1691059 (VCV001691059.3), dbSNP rs1894506287, ClinGen allele CA385884571.